The following is an entry in ClinVar:

NM_017838.4(NHP2):c.34G>C (p.Glu12Gln)

Gene: NHP2 (NHP2 ribonucleoprotein; minus strand). Cytogenetic location: 5q35.3.
Variant type: single nucleotide variant.
Coding change: c.34G>C on transcript NM_017838.4 (MANE Select); coding-DNA position 34, G replaced by C.
Protein change: p.Glu12Gln; replaces glutamic acid 12 with glutamine.
Molecular consequence: missense variant.
Genome position (GRCh38, 1-based): chr5:178,153,784, C>G on the plus strand (G>C on the coding strand, the complement: NHP2 is on the minus strand). VCF-style: chr5-178153784-C-G. GRCh37 (hg19) VCF-style: chr5-177580785-C-G.
Other names: c.34G>C, p.Glu12Gln (NM_001034833.2); short protein forms E12Q.
Identifiers: ClinVar variation 1162983 (VCV001162983.8), dbSNP rs1296058145, ClinGen allele CA362393147.

ClinVar aggregate classification (germline): Uncertain significance. Review status: criteria provided, multiple submitters, no conflicts (2 of 4 stars). 2 submissions from 2 submitters: Uncertain significance (2). Last evaluated 2023-03-22.

Conditions:
Dyskeratosis congenita. Identifiers: Orphanet 1775, MedGen C0265965, MONDO:0015780.

Allele frequency attached by ClinVar (database versions not stated): gnomAD exomes below 0.00001.
gnomAD v4.1: 2 of 1,611,774 alleles (0.00012%); highest among the groups gnomAD compares: East Asian, 0.0022%; no homozygotes.

Submissions (2):

Labcorp Genetics (formerly Invitae), Labcorp
Classification: Uncertain significance for Dyskeratosis congenita. Last evaluated: 2023-03-22. Review status: criteria provided, single submitter. Criteria: Invitae Variant Classification Sherloc (09022015). Collection method: clinical testing. Allele origin: germline.
Comment: In summary, the available evidence is currently insufficient to determine the role of this variant in disease. Therefore, it has been classified as a Variant of Uncertain Significance. An algorithm developed to predict the effect of missense changes on protein structure and function (PolyPhen-2) suggests that this variant is likely to be tolerated. ClinVar contains an entry for this variant (Variation ID: 1162983). This variant has not been reported in the literature in individuals affected with NHP2-related conditions. This variant is present in population databases (no rsID available, gnomAD 0.006%). This sequence change replaces glutamic acid, which is acidic and polar, with glutamine, which is neutral and polar, at codon 12 of the NHP2 protein (p.Glu12Gln).

Mayo Clinic Laboratories, Mayo Clinic
Classification: Uncertain significance. Last evaluated: 2020-01-22. Review status: criteria provided, single submitter. Criteria: ACMG Guidelines, 2015. Collection method: clinical testing. Allele origin: germline. Observed: 1 variant allele.